The following is an entry in ClinVar:

ClinVar aggregate classification (germline): Uncertain significance. Review status: criteria provided, multiple submitters, no conflicts (2 of 4 stars). 2 submissions from 2 submitters: Uncertain significance (2). Last evaluated 2025-04-25.

Conditions:
Inborn genetic diseases. Identifiers: MedGen C0950123, MeSH D030342.

gnomAD v4.1: 8 of 1,582,864 alleles (0.00051%); highest among the groups gnomAD compares: African/African-American, 0.0014%; no homozygotes.

Submissions (2):

Ambry Genetics
Classification: Uncertain significance for Inborn genetic diseases. Last evaluated: 2025-04-25. Review status: criteria provided, single submitter. Criteria: Ambry Variant Classification Scheme 2023. Collection method: clinical testing. Allele origin: germline.

Labcorp Genetics (formerly Invitae), Labcorp
Classification: Uncertain significance. Last evaluated: 2022-11-03. Review status: criteria provided, single submitter. Criteria: Invitae Variant Classification Sherloc (09022015). Collection method: clinical testing. Allele origin: germline.
Comment: In summary, the available evidence is currently insufficient to determine the role of this variant in disease. Therefore, it has been classified as a Variant of Uncertain Significance. Advanced modeling of protein sequence and biophysical properties (such as structural, functional, and spatial information, amino acid conservation, physicochemical variation, residue mobility, and thermodynamic stability) performed at Invitae indicates that this missense variant is not expected to disrupt KMT2E protein function. This variant has not been reported in the literature in individuals affected with KMT2E-related conditions. This variant is not present in population databases (gnomAD no frequency). This sequence change replaces threonine, which is neutral and polar, with serine, which is neutral and polar, at codon 614 of the KMT2E protein (p.Thr614Ser).

NM_182931.3(KMT2E):c.1841C>G (p.Thr614Ser)

Gene: KMT2E (lysine methyltransferase 2E (inactive); plus strand). Cytogenetic location: 7q22.3.
Variant type: single nucleotide variant.
Coding change: c.1841C>G on transcript NM_182931.3 (MANE Select); coding-DNA position 1841, C replaced by G.
Protein change: p.Thr614Ser; replaces threonine 614 with serine.
Molecular consequence: missense variant.
Genome position (GRCh38, 1-based): chr7:105,101,543, C>G. VCF-style: chr7-105101543-C-G. GRCh37 (hg19) VCF-style: chr7-104741990-C-G.
Other names: c.1841C>G, p.Thr614Ser (NM_001410908.1, NM_018682.4); c.1841C>G (NM_182931.2); short protein forms T614S.
Identifiers: ClinVar variation 2180846 (VCV002180846.3), dbSNP rs540893678, ClinGen allele CA368784410.
Genomic context (GRCh38, chr7:105,101,543, plus strand): 5'-GAGAGAAAAGAAGAGAACAAGCTTTGGAAAGGATCAGCACAGCCAAAACTGAAGTTAAAA[C>G]TGAATGTAAAGATACACAGATTGTCAGTGATGCTGAAGTTATTCAGGTATTATTTATTCA-3'
Protein context (NP_891847.1, residues 604-624): RISTAKTEVK[Thr614Ser]ECKDTQIVSD